The following is an entry in ClinVar:

ClinVar aggregate classification (germline): Pathogenic. Review status: criteria provided, multiple submitters, no conflicts (2 of 4 stars). 3 submissions from 3 submitters: Pathogenic (3). Last evaluated 2024-09-26.

Conditions:
CDHR1-related disorders.
Cone-rod dystrophy 15 (CORD15). Identifiers: MedGen C3150912, MONDO:0013348, OMIM 613660.

Submissions (3):

Revvity Omics, Revvity
Classification: Pathogenic for Cone-rod dystrophy 15. Last evaluated: 2024-09-26. Review status: criteria provided, single submitter. Criteria: ACMG Guidelines, 2015. Collection method: clinical testing. Allele origin: germline.

Labcorp Genetics (formerly Invitae), Labcorp
Classification: Pathogenic. Last evaluated: 2022-04-22. Review status: criteria provided, single submitter. Criteria: Invitae Variant Classification Sherloc (09022015). Collection method: clinical testing. Allele origin: germline.
Comment: For these reasons, this variant has been classified as Pathogenic. This variant disrupts a region of the CDHR1 protein in which other variant(s) (p.Gly703Valfs*138) have been determined to be pathogenic (PMID: 32141364; Invitae). This suggests that this is a clinically significant region of the protein, and that variants that disrupt it are likely to be disease-causing. This premature translational stop signal has been observed in individual(s) with retinitis pigmentosa (PMID: 26261414). This variant is not present in population databases (gnomAD no frequency). This sequence change creates a premature translational stop signal (p.Asp696Alafs*3) in the CDHR1 gene. While this is not anticipated to result in nonsense mediated decay, it is expected to disrupt the last 164 amino acid(s) of the CDHR1 protein.

Blueprint Genetics
Classification: Pathogenic for CDHR1-related disorders. Last evaluated: 2021-01-22. Review status: criteria provided, single submitter. Criteria: ACMG Guidelines, 2015. Collection method: clinical testing. Allele origin: germline. Affected: yes. Observed: 1 variant allele.

Literature cited by the submitters: PubMed 32141364 (cited by Labcorp Genetics (formerly Invitae), Labcorp); PubMed 26261414 (cited by Labcorp Genetics (formerly Invitae), Labcorp).

NM_033100.4(CDHR1):c.2087_2090del (p.Asp696fs)

Gene: CDHR1 (cadherin related family member 1; plus strand). Cytogenetic location: 10q23.1.
Variant type: Deletion.
Coding change: c.2087_2090del on transcript NM_033100.4 (MANE Select); coding-DNA positions 2087 to 2090, 4 bases deleted (ACAA; older notation c.2087_2090delACAA).
Protein change: p.Asp696fs; shifts the reading frame from aspartic acid 696.
Molecular consequence: frameshift variant. On other transcripts: intron variant (1).
Genome position (GRCh38, 1-based): chr10:84,214,128-84,214,131, ACAA deleted. VCF-style (leftmost placement, unchanged base first): chr10-84214127-GACAA-G. GRCh37 (hg19) VCF-style: chr10-85973883-GACAA-G.
Other names: c.2040+780_2040+783del (NM_001171971.3); short protein forms D696fs.
Identifiers: ClinVar variation 2136903 (VCV002136903.6), dbSNP rs1842385241, ClinGen allele CA1924453331.
Genomic context (GRCh38, chr10:84,214,127, plus strand): 5'-GGCTTTCTCTTTCAGACCCTCTCCCGGAGCCCCATGGCTGCCTTCCTGATACAGACCAAG[GACAA>G]CCCCATGAAGGCCGTGGGTGTGCTGGCCGGCACCATGGCCACCGTCGTGGCCATCACTGT-3'